The following is an entry in ClinVar:

ClinVar aggregate classification (germline): Uncertain significance (1 of 4 stars; one submission).

gnomAD v4.1: 1 of 1,613,712 alleles (0.000062%); highest among the groups gnomAD compares: East Asian, 0.0022%; no homozygotes.

Submission:

Labcorp Genetics (formerly Invitae), Labcorp
Classification: Uncertain significance. Last evaluated: 2022-01-14. Review status: criteria provided, single submitter. Criteria: Invitae Variant Classification Sherloc (09022015). Collection method: clinical testing. Allele origin: germline.
Comment: This sequence change replaces serine, which is neutral and polar, with proline, which is neutral and non-polar, at codon 198 of the NBAS protein (p.Ser198Pro). This variant is not present in population databases (gnomAD no frequency). This variant has not been reported in the literature in individuals affected with NBAS-related conditions. Algorithms developed to predict the effect of missense changes on protein structure and function (SIFT, PolyPhen-2, Align-GVGD) all suggest that this variant is likely to be disruptive. In summary, the available evidence is currently insufficient to determine the role of this variant in disease. Therefore, it has been classified as a Variant of Uncertain Significance.

NM_015909.4(NBAS):c.592T>C (p.Ser198Pro)

Gene: NBAS (NBAS subunit of NRZ tethering complex; minus strand). Cytogenetic location: 2p24.3.
Variant type: single nucleotide variant.
Coding change: c.592T>C on transcript NM_015909.4 (MANE Select); coding-DNA position 592, T replaced by C.
Protein change: p.Ser198Pro; replaces serine 198 with proline.
Molecular consequence: missense variant. On other transcripts: non-coding transcript variant (1).
Genome position (GRCh38, 1-based): chr2:15,536,473, A>G on the plus strand (T>C on the coding strand, the complement: NBAS is on the minus strand). VCF-style: chr2-15536473-A-G. GRCh37 (hg19) VCF-style: chr2-15676597-A-G.
Other names: short protein forms S198P.
Identifiers: ClinVar variation 1506932 (VCV001506932.8), dbSNP rs2148684182, ClinGen allele CA345886157.